The following is an entry in ClinVar:

ClinVar aggregate classification (germline): Uncertain significance (1 of 4 stars; one submission).

Allele frequency attached by ClinVar (database versions not stated): gnomAD exomes below 0.00001.
gnomAD v4.1: 1 of 1,613,968 alleles (0.000062%); highest among the groups gnomAD compares: Non-Finnish European, 0.000085%; no homozygotes.

Submission:

GeneDx
Classification: Uncertain significance. Last evaluated: 2018-12-28. Review status: criteria provided, single submitter. Criteria: GeneDx Variant Classification Process June 2021. Collection method: clinical testing. Allele origin: germline. Affected: yes.
Comment: Not observed at a significant frequency in large population cohorts (Lek et al., 2016); In silico analysis, which includes protein predictors and evolutionary conservation, supports that this variant does not alter protein structure/function; Has not been previously published as pathogenic or benign to our knowledge

NM_002972.4(SBF1):c.5525C>T (p.Ala1842Val)

Gene: SBF1 (SET binding factor 1; minus strand). Cytogenetic location: 22q13.33.
Variant type: single nucleotide variant.
Coding change: c.5525C>T on transcript NM_002972.4 (MANE Select); coding-DNA position 5525, C replaced by T.
Protein change: p.Ala1842Val; replaces alanine 1842 with valine.
Molecular consequence: missense variant.
Genome position (GRCh38, 1-based): chr22:50,447,380, G>A on the plus strand (C>T on the coding strand, the complement: SBF1 is on the minus strand). VCF-style: chr22-50447380-G-A. GRCh37 (hg19) VCF-style: chr22-50885809-G-A.
Other names: c.5450C>T, p.Ala1817Val (NM_001365819.1); short protein forms A1817V, A1842V.
Identifiers: ClinVar variation 1304453 (VCV001304453.2), dbSNP rs1340978294, ClinGen allele CA412184231.
Genomic context (GRCh38, chr22:50,447,380, plus strand): 5'-ACGTCAAAGAAGGCCTTCTCGTCCACAGTCTTAGGGGCACCCATAGTGGGCGTGCCAGGT[G>A]CCACAGCCTCCACCTCCGCCAAGTCGATGACACCCTTGCACTCTGTGTCCACACGGTGGT-3'
Protein context (NP_002963.2, residues 1832-1852): VIDLAEVEAV[Ala1842Val]PGTPTMGAPK